The following is an entry in ClinVar:

ClinVar aggregate classification (germline): Uncertain significance. Review status: criteria provided, multiple submitters, no conflicts (2 of 4 stars). 2 submissions from 2 submitters: Uncertain significance (2). Last evaluated 2025-12-20.

Conditions:
Hereditary sensory and autonomic neuropathy type 1 (HSAN1). Also called: HSN Type I; Hereditary Sensory Neuropathy Type I; HSAN 1. Identifiers: Orphanet 36386, MedGen C0020071, MONDO:0018213.
Neuropathy, hereditary sensory and autonomic, type 1A (HSAN1A). Also called: HSAN IA; HSN IA; NEUROPATHY, HEREDITARY SENSORY AND AUTONOMIC, TYPE IA; NEUROPATHY, HEREDITARY SENSORY RADICULAR, AUTOSOMAL DOMINANT, TYPE 1A; SPTLC1-Related Hereditary Sensory Neuropathy. Identifiers: MedGen C5235211, MONDO:0008086, OMIM 162400.

gnomAD v4.1: 13 of 1,613,586 alleles (0.00081%); highest among the groups gnomAD compares: Admixed American, 0.005%; no homozygotes.

Submissions (2):

Labcorp Genetics (formerly Invitae), Labcorp
Classification: Uncertain significance for Hereditary sensory and autonomic neuropathy type 1. Last evaluated: 2025-12-20. Review status: criteria provided, single submitter. Criteria: Invitae Variant Classification Sherloc (09022015). Collection method: clinical testing. Allele origin: germline.
Comment: This sequence change replaces arginine, which is basic and polar, with histidine, which is basic and polar, at codon 236 of the SPTLC1 protein (p.Arg236His). This variant is present in population databases (rs765970732, gnomAD 0.006%). This variant has not been reported in the literature in individuals affected with SPTLC1-related conditions. ClinVar contains an entry for this variant (Variation ID: 912332). Invitae Evidence Modeling of protein sequence and biophysical properties (such as structural, functional, and spatial information, amino acid conservation, physicochemical variation, residue mobility, and thermodynamic stability) indicates that this missense variant is not expected to disrupt SPTLC1 protein function with a negative predictive value of 80%. In summary, the available evidence is currently insufficient to determine the role of this variant in disease. Therefore, it has been classified as a Variant of Uncertain Significance.

Illumina Laboratory Services, Illumina
Classification: Uncertain significance for Neuropathy, hereditary sensory and autonomic, type 1A. Last evaluated: 2018-01-12. Review status: criteria provided, single submitter. Criteria: ICSL Variant Classification Criteria 13 December 2019. Collection method: clinical testing. Allele origin: germline.

NM_006415.4(SPTLC1):c.707G>A (p.Arg236His)

Gene: SPTLC1 (serine palmitoyltransferase long chain base subunit 1; minus strand). Cytogenetic location: 9q22.31.
Variant type: single nucleotide variant.
Coding change: c.707G>A on transcript NM_006415.4 (MANE Select); coding-DNA position 707, G replaced by A.
Protein change: p.Arg236His; replaces arginine 236 with histidine.
Molecular consequence: missense variant.
Genome position (GRCh38, 1-based): chr9:92,055,478, C>T on the plus strand (G>A on the coding strand, the complement: SPTLC1 is on the minus strand). VCF-style: chr9-92055478-C-T. GRCh37 (hg19) VCF-style: chr9-94817760-C-T.
Other names: c.707G>A, p.Arg236His (NM_001281303.2); c.341G>A, p.Arg114His (NM_001368272.1); c.242G>A, p.Arg81His (NM_001368273.1); short protein forms R236H, R81H, R114H.
Identifiers: ClinVar variation 912332 (VCV000912332.12), dbSNP rs765970732, ClinGen allele CA5121457.
Genomic context (GRCh38, chr9:92,055,478, plus strand): 5'-GGACAAATAGTTCCAGTATTCATATACAATCCTTCTACTACAATGAAACGCCGAGTTACA[C>T]GAGCCTTGCGAGGATTCTTTAAAAGAGAAAAAGCAGACATCTTACATTTCAGTAACTCTG-3'
Protein context (NP_006406.1, residues 226-246): IEDQKNPRKA[Arg236His]VTRRFIVVEG